The following is an entry in ClinVar:

NM_025179.4(PLXNA2):c.3591C>A (p.Thr1197=)

Gene: PLXNA2 (plexin A2; minus strand). Cytogenetic location: 1q32.2.
Variant type: single nucleotide variant.
Coding change: c.3591C>A on transcript NM_025179.4 (MANE Select); coding-DNA position 3591, C replaced by A.
Protein change: p.Thr1197=; no amino-acid change (threonine 1197 retained).
Molecular consequence: synonymous variant.
Genome position (GRCh38, 1-based): chr1:208,045,115, G>T on the plus strand (C>A on the coding strand, the complement: PLXNA2 is on the minus strand). VCF-style: chr1-208045115-G-T. GRCh37 (hg19) VCF-style: chr1-208218460-G-T.
Identifiers: ClinVar variation 3036584 (VCV003036584.2), dbSNP rs1468885583, ClinGen allele CA422989379.

ClinVar aggregate classification (germline): Likely benign (0 of 4 stars; one submission).

Conditions:
PLXNA2-related disorder. Also called: PLXNA2-related condition.

Allele frequency attached by ClinVar (database versions not stated): gnomAD 0.00001; gnomAD exomes 0.00001; TOPMed 0.00001.
gnomAD v4.1: 12 of 1,614,010 alleles (0.00074%); highest among the groups gnomAD compares: Non-Finnish European, 0.00093%; no homozygotes.

Submission:

PreventionGenetics, part of Exact Sciences
Classification: Likely benign for PLXNA2-related condition. Last evaluated: 2022-01-28. Review status: no assertion criteria provided. Collection method: clinical testing. Allele origin: germline.
Comment: This variant is classified as likely benign based on ACMG/AMP sequence variant interpretation guidelines (Richards et al. 2015 PMID: 25741868, with internal and published modifications).